The following is an entry in ClinVar:

ClinVar aggregate classification (germline): Pathogenic. Review status: criteria provided, multiple submitters, no conflicts (2 of 4 stars). 4 submissions from 4 submitters: Pathogenic (2). 2 of the submissions do not count toward it. Last evaluated 2022-07-25.

Conditions:
Long QT syndrome (LQTS). Identifiers: MedGen C0023976, MeSH D008133, MONDO:0002442. Disease mechanism: loss of function. Inheritance: Various modes of inheritance.
Distal myopathy, Tateyama type (MPDT). Also called: CAV3-Related Distal Myopathy. Identifiers: Orphanet 488650, MedGen C3280443, MONDO:0013686, OMIM 614321.
CAV3-related disorder. Also called: CAV3-related condition.

Submissions (4):

Labcorp Genetics (formerly Invitae), Labcorp
Classification: Pathogenic for Long QT syndrome. Last evaluated: 2022-07-25. Review status: criteria provided, single submitter. Criteria: Invitae Variant Classification Sherloc (09022015). Collection method: clinical testing. Allele origin: germline.
Comment: For these reasons, this variant has been classified as Pathogenic. Algorithms developed to predict the effect of missense changes on protein structure and function (SIFT, PolyPhen-2, Align-GVGD) all suggest that this variant is likely to be disruptive. ClinVar contains an entry for this variant (Variation ID: 8289). This missense change has been observed in individuals with clinical features of autosomal dominant CAV3-related conditions (PMID: 15564037, 15580566, 27061274; Invitae). It has also been observed to segregate with disease in related individuals. This variant is not present in population databases (gnomAD no frequency). This sequence change replaces asparagine, which is neutral and polar, with lysine, which is basic and polar, at codon 33 of the CAV3 protein (p.Asn33Lys).

Blueprint Genetics
Classification: Pathogenic for CAV3-related disorders. Last evaluated: 2021-05-31. Review status: criteria provided, single submitter. Criteria: ACMG Guidelines, 2015. Collection method: clinical testing. Allele origin: germline. Affected: yes. Observed: 1 variant allele.

Leiden Muscular Dystrophy (CAV3)
No classification provided. Condition: MYOPATHY, DISTAL, TATEYAMA TYPE. Last evaluated: 2012-04-15. Review status: no classification provided. Collection method: curation. Allele origin: germline. Not counted in ClinVar's aggregate classification.

OMIM
Classification: Pathogenic for MYOPATHY, DISTAL, TATEYAMA TYPE. Last evaluated: 2005-01-01. Review status: no assertion criteria provided. Collection method: literature only. Allele origin: germline. Not counted in ClinVar's aggregate classification.

Literature cited by the submitters: PubMed 15564037 (cited by Labcorp Genetics (formerly Invitae), Labcorp); PubMed 15580566 (cited by Labcorp Genetics (formerly Invitae), Labcorp and OMIM); PubMed 27061274 (cited by Labcorp Genetics (formerly Invitae), Labcorp).

NM_033337.3(CAV3):c.99C>G (p.Asn33Lys)

Gene: CAV3 (caveolin 3; plus strand). Cytogenetic location: 3p25.3.
Variant type: single nucleotide variant.
Coding change: c.99C>G on transcript NM_033337.3 (MANE Select); coding-DNA position 99, C replaced by G.
Protein change: p.Asn33Lys; replaces asparagine 33 with lysine.
Molecular consequence: missense variant.
Genome position (GRCh38, 1-based): chr3:8,733,975, C>G. VCF-style: chr3-8733975-C-G. GRCh37 (hg19) VCF-style: chr3-8775661-C-G.
Other names: c.99C>G, p.Asn33Lys (NM_001234.5); short protein forms N33K.
Identifiers: ClinVar variation 8289 (VCV000008289.9), dbSNP rs1008642, ClinGen allele CA119446.
Genomic context (GRCh38, chr3:8,733,975, plus strand): 5'-CGTCAAGGATATCCACTGCAAGGAGATTGACCTGGTGAACCGAGACCCCAAGAACATTAA[C>G]GAGGACATAGTCAAGGTAGGCTCTGCAGGCCTGCCTCGGCGGGCGGAGAGTGTCAGGTTT-3'
Protein context (NP_203123.1, residues 23-43): DLVNRDPKNI[Asn33Lys]EDIVKVDFED